The following is an entry in ClinVar:

ClinVar aggregate classification (germline): Pathogenic/Likely pathogenic. Review status: criteria provided, multiple submitters, no conflicts (2 of 4 stars). 4 submissions from 4 submitters: Pathogenic (2); Likely pathogenic (2). Last evaluated 2025-10-22.

Conditions:
IRF2BPL-related disorder. Also called: IRF2BPL-related condition. Identifiers: MedGen CN381093.
Neurodevelopmental disorder with regression, abnormal movements, loss of speech, and seizures. Identifiers: Orphanet 597623, MedGen C4748127, MONDO:0060759, OMIM 618088.

Submissions (4):

Institute of Human Genetics, University of Leipzig Medical Center
Classification: Pathogenic for Neurodevelopmental disorder with regression, abnormal movements, loss of speech, and seizures. Last evaluated: 2025-10-22. Review status: criteria provided, single submitter. Criteria: ACMG Guidelines, 2015. Collection method: clinical testing. Allele origin: unknown. Inheritance: Autosomal dominant inheritance. Affected: yes.
Comment: Criteria applied: PVS1,PS4_MOD,PM2_SUP

GeneDx
Classification: Likely pathogenic. Last evaluated: 2024-04-29. Review status: criteria provided, single submitter. Criteria: GeneDx Variant Classification Process June 2021. Collection method: clinical testing. Allele origin: germline. Affected: yes.
Comment: Nonsense variant predicted to result in protein truncation, as the last 677 amino acids are lost, and other loss-of-function variants have been reported downstream in HGMD; Not observed at significant frequency in large population cohorts (gnomAD); Has not been previously published as pathogenic or benign to our knowledge

Blueprint Genetics
Classification: Likely pathogenic for IRF2BPL-related disorders. Last evaluated: 2022-01-24. Review status: criteria provided, single submitter. Criteria: ACMG Guidelines, 2015. Collection method: clinical testing. Allele origin: germline. Affected: yes. Observed: 1 variant allele.

Institute of Medical Genetics and Applied Genomics, University Hospital Tübingen
Classification: Pathogenic. Last evaluated: 2020-10-23. Review status: criteria provided, single submitter. Criteria: ACMG Guidelines, 2015. Collection method: clinical testing. Allele origin: germline. Inheritance: Unknown mechanism. Affected: yes.

NM_024496.4(IRF2BPL):c.358C>T (p.Gln120Ter)

Gene: IRF2BPL (interferon regulatory factor 2 binding protein like; minus strand). Cytogenetic location: 14q24.3.
Variant type: single nucleotide variant.
Coding change: c.358C>T on transcript NM_024496.4 (MANE Select); coding-DNA position 358, C replaced by T.
Protein change: p.Gln120Ter; replaces glutamine 120 with a stop codon.
Molecular consequence: nonsense.
Genome position (GRCh38, 1-based): chr14:77,027,435, G>A on the plus strand (C>T on the coding strand, the complement: IRF2BPL is on the minus strand). VCF-style: chr14-77027435-G-A. GRCh37 (hg19) VCF-style: chr14-77493778-G-A.
Other names: c.358C>T (NM_024496.3); short protein forms Q120*.
Identifiers: ClinVar variation 986860 (VCV000986860.5), dbSNP rs1885174753, ClinGen allele CA390499674.